The following is an entry in ClinVar:

NM_152424.4(AMER1):c.1703TGT[1] (p.Leu569del)

Gene: AMER1 (APC membrane recruitment protein 1; minus strand). Cytogenetic location: Xq11.2.
Variant type: Microsatellite.
Coding change: c.1703TGT[1] on transcript NM_152424.4 (MANE Select); one copy of the 3-base unit TGT starting at c.1703; the reference has two copies in a row; one copy, 3 bases deleted; also written c.1706_1708del.
Protein change: p.Leu569del; deletes leucine 569.
Molecular consequence: inframe deletion.
Genome position (GRCh38, 1-based): chrX:64,191,579-64,191,581, ACA deleted on the plus strand (TGT on the coding strand, the reverse complement: AMER1 is on the minus strand); deleting any 3 consecutive bases within chrX:64,191,579-64,191,586 gives the same sequence; the position shown is the placement nearest the transcript's 3' end. VCF-style (leftmost placement, unchanged base first): chrX-64191578-TACA-T. GRCh37 (hg19) VCF-style: chrX-63411458-TACA-T.
Other names: c.1706_1708del (NM_152424.4); short protein forms L569del.
Identifiers: ClinVar variation 2633736 (VCV002633736.3), dbSNP rs2147087612, ClinGen allele CA2579627413.

ClinVar aggregate classification (germline): Uncertain significance. Review status: criteria provided, multiple submitters, no conflicts (2 of 4 stars). 2 submissions from 2 submitters: Uncertain significance (2). Last evaluated 2023-03-27.

Conditions:
Osteopathia striata with cranial sclerosis (OSCS). Also called: HYPEROSTOSIS GENERALISATA WITH STRIATIONS. Identifiers: Orphanet 2780, MedGen C0432268, MONDO:0010310, OMIM 300373.
AMER1-related disorder. Also called: AMER1-related condition.

Submissions (2):

PreventionGenetics, part of Exact Sciences
Classification: Uncertain significance for AMER1-related condition. Last evaluated: 2023-03-27. Review status: criteria provided, single submitter. Criteria: ACMG Guidelines, 2015. Collection method: clinical testing. Allele origin: germline.
Comment: The AMER1 c.1706_1708delTGT variant is predicted to result in an in-frame deletion (p.Leu569del). To our knowledge, this variant has not been reported in the literature or in a large population database, indicating this variant is rare. At this time, the clinical significance of this variant is uncertain due to the absence of conclusive functional and genetic evidence.

Juno Genomics, Hangzhou Juno Genomics, Inc
Classification: Uncertain significance for Osteopathia striata with cranial sclerosis. Review status: criteria provided, single submitter. Criteria: ACMG Guidelines, 2015. Collection method: clinical testing. Allele origin: germline.
Comment: Absent from controls (or at extremely low frequency if recessive) in Genome Aggregation Database.;De novo (both maternity and paternity confirmed) in a patient with the disease and no family history.;Protein length changes due to in-frame deletions/insertions in a non-repeat region or stop-loss variants.